The following is an entry in ClinVar:

NM_000478.6(ALPL):c.969C>A (p.Asn323Lys)

Gene: ALPL (alkaline phosphatase, biomineralization associated; plus strand). Cytogenetic location: 1p36.12.
Variant type: single nucleotide variant.
Coding change: c.969C>A on transcript NM_000478.6 (MANE Select); coding-DNA position 969, C replaced by A.
Protein change: p.Asn323Lys; replaces asparagine 323 with lysine.
Molecular consequence: missense variant.
Genome position (GRCh38, 1-based): chr1:21,573,771, C>A. VCF-style: chr1-21573771-C-A. GRCh37 (hg19) VCF-style: chr1-21900264-C-A.
Other names: c.804C>A, p.Asn268Lys (NM_001127501.4); c.738C>A, p.Asn246Lys (NM_001177520.3); c.969C>A, p.Asn323Lys (NM_001369803.2, NM_001369804.2, NM_001369805.2); short protein forms N268K, N323K, N246K.
Identifiers: ClinVar variation 2129889 (VCV002129889.5), dbSNP rs2148184754, ClinGen allele CA338880386.

ClinVar aggregate classification (germline): Conflicting classifications of pathogenicity. Review status: criteria provided, conflicting classifications (1 of 4 stars). 2 submissions from 2 submitters: Likely pathogenic (1); Uncertain significance (1). Last evaluated 2025-12-05.

Submissions (2):

Women's Health and Genetics/Laboratory Corporation of America, LabCorp
Classification: Uncertain significance. Last evaluated: 2025-12-05. Review status: criteria provided, single submitter. Criteria: LabCorp Variant Classification Summary - May 2015. Collection method: clinical testing. Allele origin: germline.
Comment: Variant summary: ALPL c.969C>A (p.Asn323Lys) results in a non-conservative amino acid change in the encoded protein sequence. Algorithms developed to predict the effect of missense changes on protein structure and function all suggest that this variant is likely to be disruptive. The variant was absent in 251198 control chromosomes. The available data on variant occurrences in the general population are insufficient to allow any conclusion about variant significance. To our knowledge, c.969C>A has not been observed in individual(s) affected with Hypophosphatasia. However, a different variant, c.969C>G, with the same protein effect (p.Asn323Lys) has been reported previously in association with both autosomal dominant and autosomal recessive HPP or clinical features of HPP (example, Silvent_2014, del Angel_2020, Abolhassani_2024). These report(s) do not provide unequivocal conclusions about association of the c.969C>A variant with Hypophosphatasia. To our knowledge, no experimental evidence demonstrating an impact on protein function has been reported. The following publications have been ascertained in the context of this evaluation (PMID: 25023282, 32160374, 38374194). ClinVar contains an entry for this variant (Variation ID: 2129889). Based on the evidence outlined above, the variant was classified as uncertain significance.

Labcorp Genetics (formerly Invitae), Labcorp
Classification: Likely pathogenic. Last evaluated: 2024-02-01. Review status: criteria provided, single submitter. Criteria: Invitae Variant Classification Sherloc (09022015). Collection method: clinical testing. Allele origin: germline.
Comment: This sequence change replaces asparagine, which is neutral and polar, with lysine, which is basic and polar, at codon 323 of the ALPL protein (p.Asn323Lys). This variant is not present in population databases (gnomAD no frequency). This missense change has been observed in individual(s) with hypophosphatasia (PMID: 32160374). ClinVar contains an entry for this variant (Variation ID: 2129889). Advanced modeling of protein sequence and biophysical properties (such as structural, functional, and spatial information, amino acid conservation, physicochemical variation, residue mobility, and thermodynamic stability) performed at Invitae indicates that this missense variant is expected to disrupt ALPL protein function with a positive predictive value of 95%. This variant disrupts the p.Asn323 amino acid residue in ALPL. Other variant(s) that disrupt this residue have been determined to be pathogenic (Invitae). This suggests that this residue is clinically significant, and that variants that disrupt this residue are likely to be disease-causing. In summary, the currently available evidence indicates that the variant is pathogenic, but additional data are needed to prove that conclusively. Therefore, this variant has been classified as Likely Pathogenic.

Literature cited by the submitters: PubMed 25023282 (cited by Women's Health and Genetics/Laboratory Corporation of America, LabCorp); PubMed 32160374 (cited by Women's Health and Genetics/Laboratory Corporation of America, LabCorp and Labcorp Genetics (formerly Invitae), Labcorp); PubMed 38374194 (cited by Women's Health and Genetics/Laboratory Corporation of America, LabCorp).